The following is an entry in ClinVar:

ClinVar aggregate classification (germline): Pathogenic (1 of 4 stars; one submission).

Conditions:
Fabry disease. Also called: ALPHA-GALACTOSIDASE A DEFICIENCY; ANDERSON-FABRY DISEASE; CERAMIDE TRIHEXOSIDASE DEFICIENCY; GLA DEFICIENCY; HEREDITARY DYSTOPIC LIPIDOSIS; Angiokeratoma corporis diffusum. Identifiers: Orphanet 324, MedGen C0002986, MONDO:0010526, OMIM 301500, HP:0001071. Disease mechanism: Fabry disease is due to inactivating mutations in the X-linked GLA gene resulting in deficiency of the enzyme Alpha Galactosidase-A., loss of function.

Submission:

Genomenon, Inc
Classification: Pathogenic for Fabry disease. Last evaluated: 2026-09-08. Review status: criteria provided, single submitter. Criteria: Genomenon Sequence Variant Interpretation Standards - Updated. Collection method: curation. Allele origin: germline. Affected: yes.
Comment: GLA p.Asp234GlufsTer13 (c.702_709del) is a frameshift variant that is predicted to introduce a premature termination codon and result in a truncated or absent protein product. This variant has been observed in at least one proband with clinical features consistent with Fabry disease (PMID:30385651). It is absent or not present at a significant frequency in gnomAD. In conclusion, we classify GLA p.Asp234GlufsTer13 (c.702_709del) as a pathogenic variant.

Literature cited by the submitters: PubMed 30385651.

NM_000169.3(GLA):c.702_709del (p.Asp234fs)

Genes: GLA (galactosidase alpha; minus strand), RPL36A-HNRNPH2 (RPL36A-HNRNPH2 readthrough; plus strand). Cytogenetic location: Xq22.1.
Variant type: Deletion.
Coding change: c.702_709del on transcript NM_000169.3 (MANE Select); coding-DNA positions 702 to 709, 8 bases deleted (TTCCTGGA; older notation c.702_709delTTCCTGGA).
Protein change: p.Asp234fs; shifts the reading frame from aspartic acid 234.
Molecular consequence: frameshift variant. On other transcripts: non-coding transcript variant (3), intron variant (2).
Genome position (GRCh38, 1-based): chrX:101,398,877-101,398,884, TCCAGGAA deleted on the plus strand (TTCCTGGA on the coding strand, the reverse complement: GLA is on the minus strand); deleting any 8 consecutive bases within chrX:101,398,877-101,398,886 gives the same sequence; the c. name uses the placement nearest the transcript's 3' end. VCF-style (leftmost placement, unchanged base first): chrX-101398876-TTCCAGGAA-T. GRCh37 (hg19) VCF-style: chrX-100653864-TTCCAGGAA-T.
Other names: c.825_832del, p.Asp275fs (NM_001406747.1); c.702_709del, p.Asp234fs (NM_001406748.1); c.300+3422_300+3429del (NM_001199973.2); c.177+7057_177+7064del (NM_001199974.2); short protein forms D234fs, D275fs.
Identifiers: ClinVar variation 4086994 (VCV004086994.2).